The following is an entry in ClinVar:

NM_001844.5(COL2A1):c.2483G>C (p.Gly828Ala)

Gene: COL2A1 (collagen type II alpha 1 chain; minus strand). Cytogenetic location: 12q13.11.
Variant type: single nucleotide variant.
Coding change: c.2483G>C on transcript NM_001844.5 (MANE Select); coding-DNA position 2483, G replaced by C.
Protein change: p.Gly828Ala; replaces glycine 828 with alanine.
Molecular consequence: missense variant.
Genome position (GRCh38, 1-based): chr12:47,980,949, C>G on the plus strand (G>C on the coding strand, the complement: COL2A1 is on the minus strand). VCF-style: chr12-47980949-C-G. GRCh37 (hg19) VCF-style: chr12-48374732-C-G.
Other names: c.2276G>C, p.Gly759Ala (NM_033150.3); short protein forms G759A, G828A.
Identifiers: ClinVar variation 1224447 (VCV001224447.5), dbSNP rs2136539832, ClinGen allele CA384544991.
Genomic context (GRCh38, chr12:47,980,949, plus strand): 5'-CCAGGAGGATGGACAGAGATACTCACAGGAGGCCCAGCAAATCCCGCTGGTCCGGGGGGC[C>G]CAGTCTCTCCACGTTCACCCTGTGAGAGAAGGGGGCATGGCGAGAGGTCAGGCCCCGCTG-3'
Protein context (NP_001835.3, residues 818-838): RGAPGERGET[Gly828Ala]PPGPAGFAGP

ClinVar aggregate classification (germline): Likely pathogenic. Review status: criteria provided, multiple submitters, no conflicts (2 of 4 stars). 2 submissions from 2 submitters: Likely pathogenic (2). Last evaluated 2025-08-18.

Conditions:
COL2A1-related disorder. Also called: COL2A1-related condition; COL2A1-related disorders.

Submissions (2):

Labcorp Genetics (formerly Invitae), Labcorp
Classification: Likely pathogenic. Last evaluated: 2025-08-18. Review status: criteria provided, single submitter. Criteria: Invitae Variant Classification Sherloc (09022015). Collection method: clinical testing. Allele origin: germline.
Comment: This sequence change replaces glycine, which is neutral and non-polar, with alanine, which is neutral and non-polar, at codon 828 of the COL2A1 protein (p.Gly828Ala). This variant is not present in population databases (gnomAD no frequency). This variant has not been reported in the literature in individuals affected with COL2A1-related conditions. ClinVar contains an entry for this variant (Variation ID: 1224447). Invitae Evidence Modeling of protein sequence and biophysical properties (such as structural, functional, and spatial information, amino acid conservation, physicochemical variation, residue mobility, and thermodynamic stability) indicates that this missense variant is expected to disrupt COL2A1 protein function with a positive predictive value of 95%. This variant disrupts the triple helix domain of COL2A1. Glycine residues within the Gly-Xaa-Yaa repeats of the triple helix domain are required for the structure and stability of fibrillar collagens (PMID: 7695699, 8218237, 19344236). In COL2A1, variants affecting these glycine residues are significantly enriched in individuals with disease (PMID: 9016532, 17078022) compared to the general population (ExAC). In summary, the currently available evidence indicates that the variant is pathogenic, but additional data are needed to prove that conclusively. Therefore, this variant has been classified as Likely Pathogenic.

Blueprint Genetics
Classification: Likely pathogenic for COL2A1-related disorders. Last evaluated: 2019-10-24. Review status: criteria provided, single submitter. Criteria: ACMG Guidelines, 2015. Collection method: clinical testing. Allele origin: germline. Affected: yes. Observed: 1 variant allele.

Literature cited by the submitters: PubMed 7695699 (cited by Labcorp Genetics (formerly Invitae), Labcorp); PubMed 8218237 (cited by Labcorp Genetics (formerly Invitae), Labcorp); PubMed 19344236 (cited by Labcorp Genetics (formerly Invitae), Labcorp); PubMed 9016532 (cited by Labcorp Genetics (formerly Invitae), Labcorp); PubMed 17078022 (cited by Labcorp Genetics (formerly Invitae), Labcorp).